The following is an entry in ClinVar:

ClinVar aggregate classification (germline): Uncertain significance (1 of 4 stars; one submission).

Submission:

Labcorp Genetics (formerly Invitae), Labcorp
Classification: Uncertain significance. Last evaluated: 2025-03-13. Review status: criteria provided, single submitter. Criteria: Invitae Variant Classification Sherloc (09022015). Collection method: clinical testing. Allele origin: germline.
Comment: This sequence change replaces serine, which is neutral and polar, with asparagine, which is neutral and polar, at codon 607 of the TOP2B protein (p.Ser607Asn). This variant is not present in population databases (gnomAD no frequency). This variant has not been reported in the literature in individuals affected with TOP2B-related conditions. An algorithm developed to predict the effect of missense changes on protein structure and function (PolyPhen-2) suggests that this variant is likely to be disruptive. In summary, the available evidence is currently insufficient to determine the role of this variant in disease. Therefore, it has been classified as a Variant of Uncertain Significance.

NM_001330700.2(TOP2B):c.1835G>A (p.Ser612Asn)

Gene: TOP2B (DNA topoisomerase II beta; minus strand). Cytogenetic location: 3p24.2.
Variant type: single nucleotide variant.
Coding change: c.1835G>A on transcript NM_001330700.2 (MANE Select); coding-DNA position 1835, G replaced by A.
Protein change: p.Ser612Asn; replaces serine 612 with asparagine.
Molecular consequence: missense variant.
Genome position (GRCh38, 1-based): chr3:25,628,918, C>T on the plus strand (G>A on the coding strand, the complement: TOP2B is on the minus strand). VCF-style: chr3-25628918-C-T. GRCh37 (hg19) VCF-style: chr3-25670409-C-T.
Other names: c.1820G>A, p.Ser607Asn (NM_001068.3); short protein forms S607N, S612N.
Identifiers: ClinVar variation 4714985 (VCV004714985.1).